The following is an entry in ClinVar:

ClinVar aggregate classification (germline): Conflicting classifications of pathogenicity. Review status: criteria provided, conflicting classifications (1 of 4 stars). 8 submissions from 8 submitters: Uncertain significance (1); Likely benign (5). 2 of the submissions do not count toward it. Last evaluated 2026-08-01.

Conditions:
PCARE-related disorder. Also called: PCARE-related condition.
Retinitis pigmentosa (RP). Identifiers: Orphanet 791, MedGen C0035334, MeSH D012174, MONDO:0019200, OMIM 268000. Inheritance: Autosomal dominant, autosomal recessive and X linked inheritance.
Retinitis pigmentosa 54 (RP54). Identifiers: Orphanet 791, MedGen C3150691, MONDO:0013263, OMIM 613428.

Allele frequency attached by ClinVar (database versions not stated): ExAC 0.00153; ESP Exome Variant Server 0.00184; gnomAD 0.00190 and 0.00192; TOPMed 0.00211; gnomAD exomes 0.00212 and 0.00194; 1000 Genomes Project 30x 0.00078; 1000 Genomes Project 0.00100.
gnomAD v4.1: 3,466 of 1,613,964 alleles (0.21%); highest among the groups gnomAD compares: Middle Eastern, 2.2%; 8 homozygotes.

Submissions (8):

CeGaT Center for Human Genetics Tuebingen
Classification: Likely benign. Last evaluated: 2026-08-01. Review status: criteria provided, single submitter. Criteria: CeGaT Center For Human Genetics Tuebingen Variant Classification Criteria Version 2. Collection method: clinical testing. Allele origin: germline. Affected: yes. Observed: 8 variant alleles.
Comment: PCARE: BP4

Labcorp Genetics (formerly Invitae), Labcorp
Classification: Likely benign. Last evaluated: 2026-02-01. Review status: criteria provided, single submitter. Criteria: Invitae Variant Classification Sherloc (09022015). Collection method: clinical testing. Allele origin: germline.

Blueprint Genetics
Classification: Likely benign. Last evaluated: 2024-11-26. Review status: criteria provided, single submitter. Criteria: ACMG Guidelines, 2015. Collection method: clinical testing. Allele origin: germline.

Illumina Laboratory Services, Illumina
Classification: Uncertain significance for Retinitis pigmentosa. Last evaluated: 2017-04-27. Review status: criteria provided, single submitter. Criteria: ICSL Variant Classification Criteria 13 December 2019. Collection method: clinical testing. Allele origin: germline.
Comment: This variant was observed as part of a predisposition screen in an ostensibly healthy population. A literature search was performed for the gene, cDNA change, and amino acid change (where applicable). Publications were found based on this search. However, the evidence from the literature, in combination with allele frequency data from public databases where available, was not sufficient to rule this variant in or out of causing disease. Therefore, this variant is classified as a variant of unknown significance.

Eurofins Ntd Llc (ga)
Classification: Likely benign. Last evaluated: 2016-11-04. Review status: criteria provided, single submitter. Criteria: EGL Classification Definitions 2015. Collection method: clinical testing. Allele origin: germline. Observed: 4 variant alleles, 4 heterozygotes.

Clinical Genetics DNA and cytogenetics Diagnostics Lab, Erasmus MC, Erasmus Medical Center
Classification: Likely benign for Retinitis pigmentosa 54. Last evaluated: 2015-11-19. Review status: criteria provided, single submitter. Criteria: ACGS Guidelines, 2013. Collection method: clinical testing. Allele origin: germline. Affected: yes. Study: VKGL Data-share Consensus.

PreventionGenetics, part of Exact Sciences
Classification: Likely benign for PCARE-related condition. Last evaluated: 2019-08-27. Review status: no assertion criteria provided. Collection method: clinical testing. Allele origin: germline. Not counted in ClinVar's aggregate classification.
Comment: This variant is classified as likely benign based on ACMG/AMP sequence variant interpretation guidelines (Richards et al. 2015 PMID: 25741868, with internal and published modifications).

Clinical Genetics, Academic Medical Center
Classification: Likely benign. Review status: no assertion criteria provided. Collection method: clinical testing. Allele origin: germline. Affected: yes. Study: VKGL Data-share Consensus. Not counted in ClinVar's aggregate classification.

Literature cited by the submitters: PubMed 20811058 (cited by Illumina Laboratory Services, Illumina); PubMed 21412943 (cited by Illumina Laboratory Services, Illumina); PubMed 20398884 (cited by Illumina Laboratory Services, Illumina).

NM_001029883.3(PCARE):c.2600C>T (p.Pro867Leu)

Gene: PCARE (photoreceptor cilium actin regulator; minus strand). Cytogenetic location: 2p23.2.
Variant type: single nucleotide variant.
Coding change: c.2600C>T on transcript NM_001029883.3 (MANE Select); coding-DNA position 2600, C replaced by T.
Protein change: p.Pro867Leu; replaces proline 867 with leucine.
Molecular consequence: missense variant.
Genome position (GRCh38, 1-based): chr2:29,071,662, G>A on the plus strand (C>T on the coding strand, the complement: PCARE is on the minus strand). VCF-style: chr2-29071662-G-A. GRCh37 (hg19) VCF-style: chr2-29294528-G-A.
Other names: short protein forms P867L.
Identifiers: ClinVar variation 166760 (VCV000166760.61), dbSNP rs182248363, ClinGen allele CA233555.